The following is an entry in ClinVar:

NM_006096.4(NDRG1):c.4T>G (p.Ser2Ala)

Gene: NDRG1 (N-myc downstream regulated 1; minus strand). Cytogenetic location: 8q24.22.
Variant type: single nucleotide variant.
Coding change: c.4T>G on transcript NM_006096.4 (MANE Select); coding-DNA position 4, T replaced by G.
Protein change: p.Ser2Ala; replaces serine 2 with alanine.
Molecular consequence: missense variant. On other transcripts: 5 prime UTR variant (1), intron variant (2).
Genome position (GRCh38, 1-based): chr8:133,284,308, A>C on the plus strand (T>G on the coding strand, the complement: NDRG1 is on the minus strand). VCF-style: chr8-133284308-A-C. GRCh37 (hg19) VCF-style: chr8-134296551-A-C.
Other names: c.4T>G, p.Ser2Ala (NM_001135242.2, NM_001374844.1, NM_001374845.1 and 1 more transcripts); c.-134T>G (NM_001258433.2); c.-100+12826T>G (NM_001258432.2); c.-135-4041T>G (NM_001374847.1); short protein forms S2A.
Identifiers: ClinVar variation 910371 (VCV000910371.16), dbSNP rs781381539, ClinGen allele CA4886949.

ClinVar aggregate classification (germline): Uncertain significance. Review status: criteria provided, multiple submitters, no conflicts (2 of 4 stars). 4 submissions from 4 submitters: Uncertain significance (3). 1 of the submissions does not count toward it. Last evaluated 2025-01-06.

Conditions:
Charcot-Marie-Tooth disease type 4. Also called: Charcot-Marie-Tooth, Type 4; Charcot-Marie-Tooth disease, type IV. Identifiers: Orphanet 64749, MedGen C4082197, MONDO:0018995.
Charcot-Marie-Tooth disease type 4D. Also called: CHARCOT-MARIE-TOOTH DISEASE, DEMYELINATING, AUTOSOMAL RECESSIVE, TYPE 4D; NEUROPATHY, HEREDITARY MOTOR AND SENSORY, LOM TYPE; Charcot-Marie-Tooth Neuropathy Type 4D; CHARCOT-MARIE-TOOTH DISEASE, DEMYELINATING, TYPE 4D. Identifiers: Orphanet 99950, MedGen C1832334, MONDO:0011085, OMIM 601455.
Charcot-Marie-Tooth disease. Also called: Charcot-Marie-Tooth Neuropathy; Charcot-Marie-Tooth Hereditary Neuropathy. Identifiers: Orphanet 166, MedGen C0007959, MONDO:0015626.

Allele frequency attached by ClinVar (database versions not stated): TOPMed below 0.00001; ExAC 0.00001; gnomAD 0.00001; gnomAD exomes 0.00002.
gnomAD v4.1: 13 of 1,614,020 alleles (0.00081%); highest among the groups gnomAD compares: East Asian, 0.029%; no homozygotes.

Submissions (4):

Labcorp Genetics (formerly Invitae), Labcorp
Classification: Uncertain significance for Charcot-Marie-Tooth disease type 4. Last evaluated: 2025-01-06. Review status: criteria provided, single submitter. Criteria: Invitae Variant Classification Sherloc (09022015). Collection method: clinical testing. Allele origin: germline.
Comment: This sequence change replaces serine, which is neutral and polar, with alanine, which is neutral and non-polar, at codon 2 of the NDRG1 protein (p.Ser2Ala). This variant is present in population databases (rs781381539, gnomAD 0.03%). This missense change has been observed in individual(s) with Charcot-Marie-Tooth disease (PMID: 32376792). ClinVar contains an entry for this variant (Variation ID: 910371). An algorithm developed to predict the effect of missense changes on protein structure and function (PolyPhen-2) suggests that this variant is likely to be tolerated. In summary, the available evidence is currently insufficient to determine the role of this variant in disease. Therefore, it has been classified as a Variant of Uncertain Significance.

Illumina Laboratory Services, Illumina
Classification: Uncertain significance for Charcot-Marie-Tooth disease type 4D. Last evaluated: 2018-01-13. Review status: criteria provided, single submitter. Criteria: ICSL Variant Classification Criteria 13 December 2019. Collection method: clinical testing. Allele origin: germline.

Molecular Genetics Laboratory, London Health Sciences Centre
Classification: Uncertain significance for Charcot-Marie-Tooth disease. Review status: criteria provided, single submitter. Criteria: ACMG Guidelines, 2015. Collection method: clinical testing. Allele origin: germline. Affected: yes.

Natera, Inc.
Classification: Uncertain significance for Charcot-Marie-Tooth disease type 4D. Last evaluated: 2020-01-30. Review status: no assertion criteria provided. Collection method: clinical testing. Allele origin: germline. Not counted in ClinVar's aggregate classification.

Literature cited by the submitters: PubMed 32376792 (cited by Labcorp Genetics (formerly Invitae), Labcorp).